The following is an entry in ClinVar:

ClinVar aggregate classification (germline): Uncertain significance (1 of 4 stars; one submission).

Submission:

Labcorp Genetics (formerly Invitae), Labcorp
Classification: Uncertain significance. Last evaluated: 2025-01-23. Review status: criteria provided, single submitter. Criteria: Invitae Variant Classification Sherloc (09022015). Collection method: clinical testing. Allele origin: germline.
Comment: This sequence change replaces histidine, which is basic and polar, with arginine, which is basic and polar, at codon 698 of the GANAB protein (p.His698Arg). This variant is not present in population databases (gnomAD no frequency). This variant has not been reported in the literature in individuals affected with GANAB-related conditions. Invitae Evidence Modeling of protein sequence and biophysical properties (such as structural, functional, and spatial information, amino acid conservation, physicochemical variation, residue mobility, and thermodynamic stability) indicates that this missense variant is expected to disrupt GANAB protein function with a positive predictive value of 80%. In summary, the available evidence is currently insufficient to determine the role of this variant in disease. Therefore, it has been classified as a Variant of Uncertain Significance.

NM_198334.3(GANAB):c.2027A>G (p.His676Arg)

Gene: GANAB (glucosidase II alpha subunit; minus strand). Cytogenetic location: 11q12.3.
Variant type: single nucleotide variant.
Coding change: c.2027A>G on transcript NM_198334.3 (MANE Select); coding-DNA position 2027, A replaced by G.
Protein change: p.His676Arg; replaces histidine 676 with arginine.
Molecular consequence: missense variant.
Genome position (GRCh38, 1-based): chr11:62,628,922, T>C on the plus strand (A>G on the coding strand, the complement: GANAB is on the minus strand). VCF-style: chr11-62628922-T-C. GRCh37 (hg19) VCF-style: chr11-62396394-T-C.
Other names: c.1736A>G, p.His579Arg (NM_001329223.2, NM_001278194.2, NM_001329222.2); c.1304A>G, p.His435Arg (NM_001329224.2, NM_001329225.2); c.2093A>G, p.His698Arg (NM_198335.4); c.1751A>G, p.His584Arg (NM_001278192.2); c.1685A>G, p.His562Arg (NM_001278193.2); short protein forms H435R, H676R, H698R, H562R, H579R, H584R.
Identifiers: ClinVar variation 3714924 (VCV003714924.2).